The following is an entry in ClinVar:

NM_017780.4(CHD7):c.5755_5756insT (p.Ala1919fs)

Gene: CHD7 (chromodomain helicase DNA binding protein 7; plus strand). Cytogenetic location: 8q12.2.
Variant type: Insertion.
Coding change: c.5755_5756insT on transcript NM_017780.4 (MANE Select); coding-DNA positions 5755 to 5756, T inserted.
Protein change: p.Ala1919fs; shifts the reading frame from alanine 1919.
Molecular consequence: frameshift variant. On other transcripts: intron variant (1).
Genome position: GRCh38 VCF-style: chr8-60852108-G-GT. GRCh37 (hg19) VCF-style: chr8-61764667-G-GT.
Other names: c.1717-10121_1717-10120insT (NM_001316690.1); short protein forms A1919fs.
Identifiers: ClinVar variation 4717912 (VCV004717912.1).
Genomic context (GRCh38, chr8:60,852,108, plus strand): 5'-GGCCAACTTTACTGGCCTAACACTTCAACCCTGACTACACGTCTGCGCCGGCTCATTACT[G>GT]CCTATCAGCGCAGCTATAAAAGGCAACAGATGAGGCAAGAGGCCCTAATGAAGACTGACC-3'

ClinVar aggregate classification (germline): Pathogenic (1 of 4 stars; one submission).

Conditions:
CHARGE syndrome (CHARGE). Also called: Hittner Hirsch Kreh syndrome; CHARGE ASSOCIATION--COLOBOMA, HEART ANOMALY, CHOANAL ATRESIA, RETARDATION, GENITAL AND EAR ANOMALIES; Coloboma, heart anomaly, choanal atresia, retardation, genital and ear anomalies; CHARGE association; Hall-Hittner syndrome. Identifiers: Orphanet 138, MedGen C0265354, MONDO:0008965.

Submission:

Labcorp Genetics (formerly Invitae), Labcorp
Classification: Pathogenic for CHARGE syndrome. Last evaluated: 2025-04-19. Review status: criteria provided, single submitter. Criteria: Invitae Variant Classification Sherloc (09022015). Collection method: clinical testing. Allele origin: germline.
Comment: This sequence change creates a premature translational stop signal (p.Ala1919Valfs*7) in the CHD7 gene. It is expected to result in an absent or disrupted protein product. Loss-of-function variants in CHD7 are known to be pathogenic (PMID: 22461308, 25077900). This variant is not present in population databases (gnomAD no frequency). This variant has not been reported in the literature in individuals affected with CHD7-related conditions. For these reasons, this variant has been classified as Pathogenic.

Literature cited by the submitters: PubMed 22461308; PubMed 25077900.